The following is an entry in ClinVar:

NM_005732.4(RAD50):c.1771A>G (p.Arg591Gly)

Gene: RAD50 (RAD50 double strand break repair protein; plus strand). Cytogenetic location: 5q31.1.
Variant type: single nucleotide variant.
Coding change: c.1771A>G on transcript NM_005732.4 (MANE Select); coding-DNA position 1771, A replaced by G.
Protein change: p.Arg591Gly; replaces arginine 591 with glycine.
Molecular consequence: missense variant.
Genome position (GRCh38, 1-based): chr5:132,592,012, A>G. VCF-style: chr5-132592012-A-G. GRCh37 (hg19) VCF-style: chr5-131927704-A-G.
Other names: short protein forms R591G.
Identifiers: ClinVar variation 408371 (VCV000408371.10), dbSNP rs1060501952, ClinGen allele CA3405242.
Genomic context (GRCh38, chr5:132,592,012, plus strand): 5'-CCCAACAAAAAACAGCTTGAAGACTGGCTACATAGTAAATCAAAAGAAATTAATCAGACC[A>G]GGGACAGACTTGCCAAATTGAAGTAAGTTGCAACATTTGGAGATGTAATAGAAATCTCTT-3'
Protein context (NP_005723.2, residues 581-601): HSKSKEINQT[Arg591Gly]DRLAKLNKEL

ClinVar aggregate classification (germline): Uncertain significance. Review status: criteria provided, multiple submitters, no conflicts (2 of 4 stars). 2 submissions from 2 submitters: Uncertain significance (2). Last evaluated 2024-06-30.

Conditions:
Hereditary cancer-predisposing syndrome. Also called: Hereditary Cancer Syndrome; Hereditary neoplastic syndrome; Neoplastic Syndromes, Hereditary; Tumor predisposition. Identifiers: Orphanet 140162, MedGen C0027672, MeSH D009386, MONDO:0015356.

Allele frequency attached by ClinVar (database versions not stated): gnomAD exomes below 0.00001 and 0.00001; ExAC 0.00001.
gnomAD v4.1: 5 of 1,613,172 alleles (0.00031%); highest among the groups gnomAD compares: South Asian, 0.0022%; no homozygotes.

Submissions (2):

Ambry Genetics
Classification: Uncertain significance for Hereditary cancer-predisposing syndrome. Last evaluated: 2024-06-30. Review status: criteria provided, single submitter. Criteria: Ambry Variant Classification Scheme 2023. Collection method: clinical testing. Allele origin: germline.
Comment: The p.R591G variant (also known as c.1771A>G), located in coding exon 11 of the RAD50 gene, results from an A to G substitution at nucleotide position 1771. The arginine at codon 591 is replaced by glycine, an amino acid with dissimilar properties. This amino acid position is conserved. In addition, the in silico prediction for this alteration is inconclusive. Based on the available evidence, the clinical significance of this variant remains unclear.

Labcorp Genetics (formerly Invitae), Labcorp
Classification: Uncertain significance for Hereditary cancer-predisposing syndrome. Last evaluated: 2020-10-19. Review status: criteria provided, single submitter. Criteria: Invitae Variant Classification Sherloc (09022015). Collection method: clinical testing. Allele origin: germline.
Comment: In summary, this variant is a rare missense change that is not predicted to affect protein function. There is no indication that it causes disease, but the available evidence is currently insufficient to prove that conclusively. Therefore, it has been classified as a Variant of Uncertain Significance. Algorithms developed to predict the effect of missense changes on protein structure and function (SIFT, PolyPhen-2, Align-GVGD) all suggest that this variant is likely to be tolerated, but these predictions have not been confirmed by published functional studies. This variant is present in population databases (ExAC 0.006%) but has not been reported in the literature in individuals with a RAD50-related disease. This sequence change replaces arginine with glycine at codon 591 of the RAD50 protein (p.Arg591Gly). The arginine residue is moderately conserved and there is a moderate physicochemical difference between arginine and glycine.